The following is an entry in ClinVar:

NM_000535.7(PMS2):c.1906G>A (p.Ala636Thr)

Gene: PMS2 (PMS1 homolog 2, mismatch repair system component; minus strand). Cytogenetic location: 7p22.1.
Variant type: single nucleotide variant.
Coding change: c.1906G>A on transcript NM_000535.7 (MANE Select); coding-DNA position 1906, G replaced by A.
Protein change: p.Ala636Thr; replaces alanine 636 with threonine.
Molecular consequence: missense variant. On other transcripts: non-coding transcript variant (1).
Genome position (GRCh38, 1-based): chr7:5,986,859, C>T on the plus strand (G>A on the coding strand, the complement: PMS2 is on the minus strand). VCF-style: chr7-5986859-C-T. GRCh37 (hg19) VCF-style: chr7-6026490-C-T.
Other names: c.1501G>A, p.Ala501Thr (NM_001322003.2, NM_001322004.2, NM_001322005.2 and 1 more transcripts); c.1750G>A, p.Ala584Thr (NM_001322006.2); c.1588G>A, p.Ala530Thr (NM_001322007.2, NM_001322008.2); c.1345G>A, p.Ala449Thr (NM_001322010.2); c.973G>A, p.Ala325Thr (NM_001322011.2, NM_001322012.2); c.1333G>A, p.Ala445Thr (NM_001322013.2); c.1906G>A, p.Ala636Thr (NM_001322014.2); c.1597G>A, p.Ala533Thr (NM_001322015.2); short protein forms A636T, A449T, A530T, A445T, A325T, A501T, A584T, A533T.
Identifiers: ClinVar variation 231053 (VCV000231053.18), dbSNP rs876658863, ClinGen allele CA10578660.
Genomic context (GRCh38, chr7:5,986,859, plus strand): 5'-CTCCAGGACAAATCTTTGCCCTAAACTTCCTGTAATTCTGTTCCCCTTCACTTTGCTGTG[C>T]TTCATGATGTAACTGCTTTATTCGTTTAGCTAAAGAACTCATAGAAAAGTCCAGGGGCAC-3'
Protein context (NP_000526.2, residues 626-646): AKRIKQLHHE[Ala636Thr]QQSEGEQNYR

ClinVar aggregate classification (germline): Conflicting classifications of pathogenicity. Review status: criteria provided, conflicting classifications (1 of 4 stars). 3 submissions from 3 submitters: Uncertain significance (2); Likely benign (1). Last evaluated 2023-12-05.

Conditions:
Hereditary nonpolyposis colorectal neoplasms. Identifiers: MedGen C0009405, MeSH D003123.
Hereditary cancer-predisposing syndrome. Also called: Neoplastic Syndromes, Hereditary; Tumor predisposition; Hereditary Cancer Syndrome; Hereditary neoplastic syndrome. Identifiers: Orphanet 140162, MedGen C0027672, MeSH D009386, MONDO:0015356.

Allele frequency attached by ClinVar (database versions not stated): gnomAD exomes 0.00001; TOPMed 0.00001.
gnomAD v4.1: 5 of 1,614,024 alleles (0.00031%); highest among the groups gnomAD compares: Non-Finnish European, 0.00042%; no homozygotes.

Submissions (3):

Color Diagnostics, LLC DBA Color Health
Classification: Uncertain significance for Hereditary cancer-predisposing syndrome. Last evaluated: 2023-12-05. Review status: criteria provided, single submitter. Criteria: ACMG Guidelines, 2015. Collection method: clinical testing. Allele origin: germline.
Comment: This missense variant replaces alanine with threonine at codon 636 of the PMS2 protein. Computational prediction suggests that this variant may not impact protein structure and function (internally defined REVEL score threshold <= 0.5, PMID: 27666373). To our knowledge, functional studies have not been reported for this variant. This variant has not been reported in individuals affected with PMS2-related disorders in the literature. This variant has not been identified in the general population by the Genome Aggregation Database (gnomAD). The available evidence is insufficient to determine the role of this variant in disease conclusively. Therefore, this variant is classified as a Variant of Uncertain Significance.

Labcorp Genetics (formerly Invitae), Labcorp
Classification: Uncertain significance for Hereditary nonpolyposis colorectal neoplasms. Last evaluated: 2023-08-16. Review status: criteria provided, single submitter. Criteria: Invitae Variant Classification Sherloc (09022015). Collection method: clinical testing. Allele origin: germline.
Comment: Advanced modeling of protein sequence and biophysical properties (such as structural, functional, and spatial information, amino acid conservation, physicochemical variation, residue mobility, and thermodynamic stability) performed at Invitae indicates that this missense variant is not expected to disrupt PMS2 protein function. ClinVar contains an entry for this variant (Variation ID: 231053). This variant has not been reported in the literature in individuals affected with PMS2-related conditions. This variant is not present in population databases (gnomAD no frequency). This sequence change replaces alanine, which is neutral and non-polar, with threonine, which is neutral and polar, at codon 636 of the PMS2 protein (p.Ala636Thr). In summary, the available evidence is currently insufficient to determine the role of this variant in disease. Therefore, it has been classified as a Variant of Uncertain Significance.

Ambry Genetics
Classification: Likely benign for Hereditary cancer-predisposing syndrome. Last evaluated: 2018-03-11. Review status: criteria provided, single submitter. Criteria: Ambry Variant Classification Scheme 2023. Collection method: clinical testing. Allele origin: germline.